The following is an entry in ClinVar:

NM_005996.4(TBX3):c.595T>G (p.Ser199Ala)

Gene: TBX3 (T-box transcription factor 3; minus strand). Cytogenetic location: 12q24.21.
Variant type: single nucleotide variant.
Coding change: c.595T>G on transcript NM_005996.4 (MANE Select); coding-DNA position 595, T replaced by G.
Protein change: p.Ser199Ala; replaces serine 199 with alanine.
Molecular consequence: missense variant.
Genome position (GRCh38, 1-based): chr12:114,680,941, A>C on the plus strand (T>G on the coding strand, the complement: TBX3 is on the minus strand). VCF-style: chr12-114680941-A-C. GRCh37 (hg19) VCF-style: chr12-115118746-A-C.
Other names: c.595T>G, p.Ser199Ala (NM_016569.4); c.595T>G (NM_016569.3); short protein forms S199A.
Identifiers: ClinVar variation 2274421 (VCV002274421.3), dbSNP rs1438542231, ClinGen allele CA386871227.

ClinVar aggregate classification (germline): Uncertain significance. Review status: criteria provided, single submitter (1 of 4 stars). 2 submissions from 2 submitters: Uncertain significance (1). 1 of the submissions does not count toward it. Last evaluated 2022-01-27.

Conditions:
Inborn genetic diseases. Identifiers: MedGen C0950123, MeSH D030342.
TBX3-related disorder. Also called: TBX3-related condition.

Allele frequency attached by ClinVar (database versions not stated): gnomAD exomes below 0.00001; gnomAD 0.00001; TOPMed 0.00001.

Submissions (2):

Ambry Genetics
Classification: Uncertain significance for Inborn genetic diseases. Last evaluated: 2022-01-27. Review status: criteria provided, single submitter. Criteria: Ambry Variant Classification Scheme 2023. Collection method: clinical testing. Allele origin: germline.

PreventionGenetics, part of Exact Sciences
Classification: Uncertain significance for TBX3-related condition. Last evaluated: 2024-03-21. Review status: no assertion criteria provided. Collection method: clinical testing. Allele origin: germline. Not counted in ClinVar's aggregate classification.
Comment: The TBX3 c.595T>G variant is predicted to result in the amino acid substitution p.Ser199Ala. To our knowledge, this variant has not been reported in the literature. This variant is reported in 0.011% of alleles in individuals of African descent in gnomAD. At this time, the clinical significance of this variant is uncertain due to the absence of conclusive functional and genetic evidence.